The following is an entry in ClinVar:

NM_000245.4(MET):c.2654T>C (p.Ile885Thr)

Gene: MET (MET proto-oncogene, receptor tyrosine kinase; plus strand). Cytogenetic location: 7q31.2.
Variant type: single nucleotide variant.
Coding change: c.2654T>C on transcript NM_000245.4 (MANE Select); coding-DNA position 2654, T replaced by C.
Protein change: p.Ile885Thr; replaces isoleucine 885 with threonine.
Molecular consequence: missense variant.
Genome position (GRCh38, 1-based): chr7:116,769,715, T>C. VCF-style: chr7-116769715-T-C. GRCh37 (hg19) VCF-style: chr7-116409769-T-C.
Other names: c.2708T>C, p.Ile903Thr (NM_001127500.3); c.2654T>C, p.Ile885Thr (NM_001324401.3); c.1364T>C, p.Ile455Thr (NM_001324402.2); short protein forms I455T, I885T, I903T.
Identifiers: ClinVar variation 3294309 (VCV003294309.1).
Genomic context (GRCh38, chr7:116,769,715, plus strand): 5'-TTGACCCTGAAGCAGTTAAAGGTGAAGTGTTAAAAGTTGGAAATAAGAGCTGTGAGAATA[T>C]ACACTTACATTCTGAAGCCGTTTTATGCACGGTCCCCAATGACCTGCTGAAATTGAACAG-3'
Protein context (NP_000236.2, residues 875-895): LKVGNKSCEN[Ile885Thr]HLHSEAVLCT

ClinVar aggregate classification (germline): Uncertain significance (1 of 4 stars; one submission).

Conditions:
Hereditary cancer-predisposing syndrome. Also called: Tumor predisposition; Hereditary Cancer Syndrome; Hereditary neoplastic syndrome; Neoplastic Syndromes, Hereditary. Identifiers: Orphanet 140162, MedGen C0027672, MeSH D009386, MONDO:0015356.

gnomAD v4.1: 1 of 1,613,048 alleles (0.000062%); highest among the groups gnomAD compares: Non-Finnish European, 0.000085%; no homozygotes.

Submission:

Ambry Genetics
Classification: Uncertain significance for Hereditary cancer-predisposing syndrome. Last evaluated: 2024-03-30. Review status: criteria provided, single submitter. Criteria: Ambry Variant Classification Scheme 2023. Collection method: clinical testing. Allele origin: germline.
Comment: The p.I903T variant (also known as c.2708T>C), located in coding exon 11 of the MET gene, results from a T to C substitution at nucleotide position 2708. The isoleucine at codon 903 is replaced by threonine, an amino acid with similar properties. This amino acid position is conserved. In addition, this alteration is predicted to be tolerated by in silico analysis. Based on the available evidence, the clinical significance of this alteration remains unclear.